The following is an entry in ClinVar:

NM_001291303.3(FAT4):c.13854G>C (p.Glu4618Asp)

Gene: FAT4 (FAT atypical cadherin 4; plus strand). Cytogenetic location: 4q28.1.
Variant type: single nucleotide variant.
Coding change: c.13854G>C on transcript NM_001291303.3 (MANE Select); coding-DNA position 13854, G replaced by C.
Protein change: p.Glu4618Asp; replaces glutamic acid 4618 with aspartic acid.
Molecular consequence: missense variant.
Genome position (GRCh38, 1-based): chr4:125,490,670, G>C. VCF-style: chr4-125490670-G-C. GRCh37 (hg19) VCF-style: chr4-126411825-G-C.
Other names: c.13851G>C, p.Glu4617Asp (NM_001291285.3); c.13848G>C, p.Glu4616Asp (NM_024582.6); short protein forms E4616D, E4617D, E4618D.
Identifiers: ClinVar variation 1941442 (VCV001941442.5), dbSNP rs756775104, ClinGen allele CA3074452.

ClinVar aggregate classification (germline): Uncertain significance (1 of 4 stars; one submission).

Allele frequency attached by ClinVar (database versions not stated): TOPMed below 0.00001.
gnomAD v4.1: 15 of 1,614,136 alleles (0.00093%); highest among the groups gnomAD compares: Non-Finnish European, 0.0012%; no homozygotes.

Submission:

Labcorp Genetics (formerly Invitae), Labcorp
Classification: Uncertain significance. Last evaluated: 2022-11-08. Review status: criteria provided, single submitter. Criteria: Invitae Variant Classification Sherloc (09022015). Collection method: clinical testing. Allele origin: germline.
Comment: In summary, the available evidence is currently insufficient to determine the role of this variant in disease. Therefore, it has been classified as a Variant of Uncertain Significance. Advanced modeling of protein sequence and biophysical properties (such as structural, functional, and spatial information, amino acid conservation, physicochemical variation, residue mobility, and thermodynamic stability) performed at Invitae indicates that this missense variant is not expected to disrupt FAT4 protein function. This variant has not been reported in the literature in individuals affected with FAT4-related conditions. This variant is present in population databases (rs756775104, gnomAD 0.002%). This sequence change replaces glutamic acid, which is acidic and polar, with aspartic acid, which is acidic and polar, at codon 4616 of the FAT4 protein (p.Glu4616Asp).